The following is an entry in ClinVar:

NM_152327.5(AK7):c.2134-336A>C

Gene: AK7 (adenylate kinase 7; plus strand). Cytogenetic location: 14q32.2.
Variant type: single nucleotide variant.
Coding change: c.2134-336A>C on transcript NM_152327.5 (MANE Select); 336 bases into the intron before coding-DNA position 2134, A replaced by C.
Molecular consequence: intron variant. On other transcripts: missense variant (1).
Genome position (GRCh38, 1-based): chr14:96,487,969, A>C. VCF-style: chr14-96487969-A-C. GRCh37 (hg19) VCF-style: chr14-96954306-A-C.
Other names: c.2076A>C, p.Gln692His (NM_001350888.2); c.2065-336A>C (NM_001350890.2); c.1936-336A>C (NM_001350892.2); c.2056-336A>C (NM_001350891.2); short protein forms Q692H.
Identifiers: ClinVar variation 3046078 (VCV003046078.2), dbSNP rs111363764, ClinGen allele CA7338066.
Genomic context (GRCh38, chr14:96,487,969, plus strand): 5'-TATTTATTTATTATTTATTTTGATATAGAGTTTCACTCTTGTTGCTCAGGTTGGAATGCA[A>C]TGGCACAATCTCGGCTTACTGCAACCTCCACCTCCCGGGTTCAAGTGATTCTCCTGCCTT-3'

ClinVar aggregate classification (germline): Likely benign (0 of 4 stars; one submission).

Conditions:
AK7-related disorder. Also called: AK7-related condition.

Allele frequency attached by ClinVar (database versions not stated): ExAC 0.00011; gnomAD exomes 0.00021; gnomAD 0.00217; TOPMed 0.00247; 1000 Genomes Project 0.00319; 1000 Genomes Project 30x 0.00344.
gnomAD v4.1: 379 of 393,008 alleles (0.096%); highest among the groups gnomAD compares: African/African-American, 0.73%; 2 homozygotes.

Submission:

PreventionGenetics, part of Exact Sciences
Classification: Likely benign for AK7-related condition. Last evaluated: 2021-02-16. Review status: no assertion criteria provided. Collection method: clinical testing. Allele origin: germline.
Comment: This variant is classified as likely benign based on ACMG/AMP sequence variant interpretation guidelines (Richards et al. 2015 PMID: 25741868, with internal and published modifications).